The following is an entry in ClinVar:

ClinVar aggregate classification (germline): Uncertain significance (1 of 4 stars; one submission).

Conditions:
Nemaline myopathy 2 (NEM2). Also called: Nemaline myopathy 2, autosomal recessive. Identifiers: MedGen C1850569, MONDO:0009725, OMIM 256030.

Allele frequency attached by ClinVar (database versions not stated): gnomAD exomes below 0.00001; gnomAD 0.00002; TOPMed 0.00002.
gnomAD v4.1: 5 of 1,613,760 alleles (0.00031%); highest among the groups gnomAD compares: Admixed American, 0.0017%; no homozygotes.

Submission:

Labcorp Genetics (formerly Invitae), Labcorp
Classification: Uncertain significance for Nemaline myopathy 2. Last evaluated: 2022-07-18. Review status: criteria provided, single submitter. Criteria: Invitae Variant Classification Sherloc (09022015). Collection method: clinical testing. Allele origin: germline.
Comment: This sequence change replaces leucine, which is neutral and non-polar, with phenylalanine, which is neutral and non-polar, at codon 6018 of the NEB protein (p.Leu6018Phe). This variant is not present in population databases (gnomAD no frequency). This variant has not been reported in the literature in individuals affected with NEB-related conditions. ClinVar contains an entry for this variant (Variation ID: 1502130). Algorithms developed to predict the effect of missense changes on protein structure and function are either unavailable or do not agree on the potential impact of this missense change (SIFT: "Deleterious"; PolyPhen-2: "Not Available"; Align-GVGD: "Class C0"). In summary, the available evidence is currently insufficient to determine the role of this variant in disease. Therefore, it has been classified as a Variant of Uncertain Significance.

NM_001164508.2(NEB):c.18052C>T (p.Leu6018Phe)

Gene: NEB (nebulin; minus strand). Cytogenetic location: 2q23.3.
Variant type: single nucleotide variant.
Coding change: c.18052C>T on transcript NM_001164508.2 (MANE Select); coding-DNA position 18052, C replaced by T.
Protein change: p.Leu6018Phe; replaces leucine 6018 with phenylalanine.
Molecular consequence: missense variant.
Genome position (GRCh38, 1-based): chr2:151,567,272, G>A on the plus strand (C>T on the coding strand, the complement: NEB is on the minus strand). VCF-style: chr2-151567272-G-A. GRCh37 (hg19) VCF-style: chr2-152423786-G-A.
Other names: c.18052C>T, p.Leu6018Phe (NM_001164507.2, NM_001271208.2); c.12949C>T, p.Leu4317Phe (NM_004543.5); short protein forms L4317F, L6018F.
Identifiers: ClinVar variation 1502130 (VCV001502130.5), dbSNP rs1223624917, ClinGen allele CA348803243.